The following is an entry in ClinVar:

ClinVar aggregate classification (germline): Uncertain significance (1 of 4 stars; one submission).

Conditions:
Left ventricular noncompaction 8 (LVNC8). Identifiers: Orphanet 154, Orphanet 54260, MedGen C3809288, MONDO:0014152, OMIM 615373.

Allele frequency attached by ClinVar (database versions not stated): ExAC 0.00001; gnomAD 0.00001; gnomAD exomes 0.00001.
gnomAD v4.1: 12 of 1,614,050 alleles (0.00074%); highest among the groups gnomAD compares: Admixed American, 0.0033%; no homozygotes.

Submission:

Labcorp Genetics (formerly Invitae), Labcorp
Classification: Uncertain significance for Left ventricular noncompaction 8. Last evaluated: 2025-04-06. Review status: criteria provided, single submitter. Criteria: Invitae Variant Classification Sherloc (09022015). Collection method: clinical testing. Allele origin: germline.
Comment: This sequence change replaces aspartic acid, which is acidic and polar, with asparagine, which is neutral and polar, at codon 418 of the PRDM16 protein (p.Asp418Asn). This variant is present in population databases (rs781605949, gnomAD 0.006%). This variant has not been reported in the literature in individuals affected with PRDM16-related conditions. ClinVar contains an entry for this variant (Variation ID: 2171568). An algorithm developed to predict the effect of missense changes on protein structure and function (PolyPhen-2) suggests that this variant is likely to be disruptive. In summary, the available evidence is currently insufficient to determine the role of this variant in disease. Therefore, it has been classified as a Variant of Uncertain Significance.

NM_022114.4(PRDM16):c.1252G>A (p.Asp418Asn)

Gene: PRDM16 (PR/SET domain 16; plus strand). Cytogenetic location: 1p36.32.
Variant type: single nucleotide variant.
Coding change: c.1252G>A on transcript NM_022114.4 (MANE Select); coding-DNA position 1252, G replaced by A.
Protein change: p.Asp418Asn; replaces aspartic acid 418 with asparagine.
Molecular consequence: missense variant.
Genome position (GRCh38, 1-based): chr1:3,411,449, G>A. VCF-style: chr1-3411449-G-A. GRCh37 (hg19) VCF-style: chr1-3328013-G-A.
Other names: c.1252G>A, p.Asp418Asn (NM_199454.3); short protein forms D418N.
Identifiers: ClinVar variation 2171568 (VCV002171568.4), dbSNP rs781605949, ClinGen allele CA544147.